The following is an entry in ClinVar:

ClinVar aggregate classification (germline): Uncertain significance (1 of 4 stars; one submission).

gnomAD v4.1: 7 of 1,573,490 alleles (0.00044%); highest among the groups gnomAD compares: East Asian, 0.016%; no homozygotes.

Submission:

Labcorp Genetics (formerly Invitae), Labcorp
Classification: Uncertain significance. Last evaluated: 2021-04-14. Review status: criteria provided, single submitter. Criteria: Invitae Variant Classification Sherloc (09022015). Collection method: clinical testing. Allele origin: germline.
Comment: This sequence change replaces glycine with arginine at codon 2 of the PLOD2 protein (p.Gly2Arg). The glycine residue is weakly conserved and there is a moderate physicochemical difference between glycine and arginine. This variant is not present in population databases (ExAC no frequency). This variant has not been reported in the literature in individuals with PLOD2-related conditions. Algorithms developed to predict the effect of missense changes on protein structure and function output the following: SIFT: "Deleterious"; PolyPhen-2: "Benign"; Align-GVGD: "Class C0". The arginine amino acid residue is found in multiple mammalian species, suggesting that this missense change does not adversely affect protein function. These predictions have not been confirmed by published functional studies and their clinical significance is uncertain. In summary, the available evidence is currently insufficient to determine the role of this variant in disease. Therefore, it has been classified as a Variant of Uncertain Significance.

NM_182943.3(PLOD2):c.4G>C (p.Gly2Arg)

Gene: PLOD2 (procollagen-lysine,2-oxoglutarate 5-dioxygenase 2; minus strand). Cytogenetic location: 3q24.
Variant type: single nucleotide variant.
Coding change: c.4G>C on transcript NM_182943.3 (MANE Select); coding-DNA position 4, G replaced by C.
Protein change: p.Gly2Arg; replaces glycine 2 with arginine.
Molecular consequence: missense variant.
Genome position (GRCh38, 1-based): chr3:146,160,986, C>G on the plus strand (G>C on the coding strand, the complement: PLOD2 is on the minus strand). VCF-style: chr3-146160986-C-G. GRCh37 (hg19) VCF-style: chr3-145878773-C-G.
Other names: c.4G>C, p.Gly2Arg (NM_000935.3); short protein forms G2R.
Identifiers: ClinVar variation 1438374 (VCV001438374.7), dbSNP rs767119307, ClinGen allele CA354895529.